The following is an entry in ClinVar:

ClinVar aggregate classification (germline): Uncertain significance (1 of 4 stars; one submission).

Submission:

Labcorp Genetics (formerly Invitae), Labcorp
Classification: Uncertain significance. Last evaluated: 2021-02-21. Review status: criteria provided, single submitter. Criteria: Invitae Variant Classification Sherloc (09022015). Collection method: clinical testing. Allele origin: germline.
Comment: In summary, the available evidence is currently insufficient to determine the role of this variant in disease. Therefore, it has been classified as a Variant of Uncertain Significance. Experimental studies and prediction algorithms are not available or were not evaluated, and the functional significance of this variant is currently unknown. This variant has not been reported in the literature in individuals with MCM3AP-related conditions. This variant is not present in population databases (ExAC no frequency). This variant, c.297_298insGAT, results in the insertion of 1 amino acid(s) to the MCM3AP protein (p.Pro99_Ser100insAsp), but otherwise preserves the integrity of the reading frame.

NM_003906.5(MCM3AP):c.297_298insGAT (p.Pro99_Ser100insAsp)

Gene: MCM3AP (minichromosome maintenance complex component 3 associated protein; minus strand). Cytogenetic location: 21q22.3.
Variant type: Insertion.
Coding change: c.297_298insGAT on transcript NM_003906.5 (MANE Select); coding-DNA positions 297 to 298, GAT inserted.
Protein change: p.Pro99_Ser100insAsp.
Molecular consequence: inframe insertion.
Genome position: GRCh38 VCF-style: chr21-46284989-A-AATC. GRCh37 (hg19) VCF-style: chr21-47704903-A-AATC.
Identifiers: ClinVar variation 1374689 (VCV001374689.8), dbSNP rs2145730563, ClinGen allele CA2573157529.